The following is an entry in ClinVar:

ClinVar aggregate classification (germline): Uncertain significance (0 of 4 stars; one submission).

Submission:

Diagnostics Centre, Carl Von Ossietzky University Oldenburg
Classification: Uncertain significance. Last evaluated: 2026-01-19. Review status: no assertion criteria provided. Collection method: clinical testing. Allele origin: germline. Affected: yes. Observed: 1 variant allele.
Comment: The variant NM_000721.4(CACNA1E):c.4495-1G>A p.(?) is located at the canonical splice site preceding exon 32 of the CACNA1E gene and it is predicted to potentially alter the normal splicing pattern. In silico tools predict that the variant has a deleterious effect on RNA splicing (SpliceAI = 0.99). The variant has not previously been reported in ClinVar or in any publications known to us. In the general population, this variant is considered very rare, as it has not been reported in gnomAD. The majority of individuals with developmental and epileptic encephalopathy harbor a pathogenic de novo gain-of-function variant in CACNA1E. However, a small number of individuals with pathogenic loss-of-function variants in CACNA1E have also been reported. To date, it has not been conclusively established that loss-of-function variants represent a recognized disease mechanism for this gene. In summary, the variant is classified as a variant of uncertain significance.

NM_001205293.3(CACNA1E):c.4495-1G>A

Gene: CACNA1E (calcium voltage-gated channel subunit alpha1 E; plus strand). Cytogenetic location: 1q25.3.
Variant type: single nucleotide variant.
Coding change: c.4495-1G>A on transcript NM_001205293.3 (MANE Select); the canonical splice acceptor site of the intron before coding-DNA position 4495, G replaced by A.
Molecular consequence: splice acceptor variant.
Genome position (GRCh38, 1-based): chr1:181,758,757, G>A. VCF-style: chr1-181758757-G-A. GRCh37 (hg19) VCF-style: chr1-181727893-G-A.
Other names: c.4495-1G>A (NM_000721.4); c.4438-1G>A (NM_001205294.2).
Identifiers: ClinVar variation 4886810 (VCV004886810.1).